The following is an entry in ClinVar:

NM_000090.4(COL3A1):c.3641G>C (p.Gly1214Ala)

Gene: COL3A1 (collagen type III alpha 1 chain; plus strand). Cytogenetic location: 2q32.2.
Variant type: single nucleotide variant.
Coding change: c.3641G>C on transcript NM_000090.4 (MANE Select); coding-DNA position 3641, G replaced by C.
Protein change: p.Gly1214Ala; replaces glycine 1214 with alanine.
Molecular consequence: missense variant.
Genome position (GRCh38, 1-based): chr2:189,009,039, G>C. VCF-style: chr2-189009039-G-C. GRCh37 (hg19) VCF-style: chr2-189873765-G-C.
Other names: short protein forms G1214A.
Identifiers: ClinVar variation 4757440 (VCV004757440.1).

ClinVar aggregate classification (germline): Uncertain significance (1 of 4 stars; one submission).

Conditions:
Familial thoracic aortic aneurysm and aortic dissection (TAAD). Also called: Thoracic aortic aneurysms and dissections. Identifiers: Orphanet 91387, MedGen C4707243, MONDO:0019625.

gnomAD v4.1: 1 of 1,614,126 alleles (0.000062%); highest among the groups gnomAD compares: African/African-American, 0.0013%; no homozygotes.

Submission:

Color Diagnostics, LLC DBA Color Health
Classification: Uncertain significance for Familial thoracic aortic aneurysm and aortic dissection. Last evaluated: 2025-07-10. Review status: criteria provided, single submitter. Criteria: ACMG Guidelines, 2015. Collection method: clinical testing. Allele origin: germline.
Comment: This missense variant replaces glycine with alanine at codon 1214 of the COL3A1 protein. Computational prediction suggests that this variant may not impact protein structure and function. To our knowledge, functional studies have not been reported for this variant. This variant has not been reported in individuals affected with COL3A1-related disorders in the literature. This variant has not been identified in the general population by the Genome Aggregation Database (gnomAD). The available evidence is insufficient to determine the role of this variant in disease conclusively. Therefore, this variant is classified as a Variant of Uncertain Significance.